The following is an entry in ClinVar:

ClinVar aggregate classification (germline): Benign (1 of 4 stars; one submission).

Conditions:
Primary immunodeficiency with natural-killer cell deficiency and adrenal insufficiency (IMD54). Also called: Natural killer cell and glucocorticoid deficiency with DNA repair defect; IMMUNODEFICIENCY 54. Identifiers: Orphanet 75391, MedGen C1864947, MONDO:0012383, OMIM 609981.

Allele frequency attached by ClinVar (database versions not stated): gnomAD exomes 0.00237; 1000 Genomes Project 0.01917; gnomAD 0.01936 and 0.02104; 1000 Genomes Project 30x 0.02092; TOPMed 0.02167.
gnomAD v4.1: 3,463 of 374,634 alleles (0.92%); highest among the groups gnomAD compares: African/African-American, 6.7%; 114 homozygotes.

Submission:

Illumina Laboratory Services, Illumina
Classification: Benign for Primary immunodeficiency with natural-killer cell deficiency and adrenal insufficiency. Last evaluated: 2018-01-12. Review status: criteria provided, single submitter. Criteria: ICSL Variant Classification Criteria 13 December 2019. Collection method: clinical testing. Allele origin: germline.
Comment: This variant was observed in the ICSL laboratory as part of a predisposition screen in an ostensibly healthy population. It had not been previously curated by ICSL or reported in the Human Gene Mutation Database (HGMD: prior to June 1st, 2018), and was therefore a candidate for classification through an automated scoring system. Utilizing variant allele frequency, disease prevalence and penetrance estimates, and inheritance mode, an automated score was calculated to assess if this variant is too frequent to cause the disease. Based on the score and internal cut-off values, a variant classified as benign is not then subjected to further curation. The score for this variant resulted in a classification of benign for this disease.

NM_182746.3(MCM4):c.*214G>A

Gene: MCM4 (minichromosome maintenance complex component 4; plus strand). Cytogenetic location: 8q11.21.
Variant type: single nucleotide variant.
Coding change: c.*214G>A on transcript NM_182746.3 (MANE Select); 214 bases downstream of the stop codon, G replaced by A.
Molecular consequence: 3 prime UTR variant.
Genome position (GRCh38, 1-based): chr8:47,976,992, G>A. VCF-style: chr8-47976992-G-A. GRCh37 (hg19) VCF-style: chr8-48889552-G-A.
Other names: c.*214G>A (LRG_1239t1, NM_005914.4).
Identifiers: ClinVar variation 363242 (VCV000363242.5), dbSNP rs17287753, ClinGen allele CA10631243.
Genomic context (GRCh38, chr8:47,976,992, plus strand): 5'-AGTGAAGTATCTGTTTTCATTTTTTTCACGTTATAAATAAAAATACTATGCTGGCCGGGC[G>A]CGGTGGCTCACACCTGTAATCCCAGCACTTTGGGAGGCCAATGTGGGTGGATCATGAGGT-3'